The following is an entry in ClinVar:

ClinVar aggregate classification (germline): Uncertain significance. Review status: reviewed by expert panel (3 of 4 stars). 2 submissions from 2 submitters: Uncertain significance (1). 1 of the submissions does not count toward it. Last evaluated 2026-06-24.

Conditions:
Maturity-onset diabetes of the young type 1. Also called: MILD JUVENILE DIABETES MELLITUS; MODY, type I; MODY type 1; Diabetes mellitus MODY type 1; MODY HNF4A related; HNF4A-Related Maturity-Onset Diabetes of the Young Type 1. Identifiers: Orphanet 552, MedGen C1852093, MONDO:0007452, OMIM 125850. Disease mechanism: loss of function.
Monogenic diabetes. Identifiers: Orphanet 183625, MedGen C3888631, MONDO:0015967.

Submissions (2):

ClinGen Monogenic Diabetes Variant Curation Expert Panel
Classification: Uncertain significance for Monogenic diabetes. Last evaluated: 2026-06-24. Review status: reviewed by expert panel. Criteria: ClinGen Diabetes ACMG Specifications HNF4A V4.0.0. Collection method: curation. Allele origin: germline. Inheritance: Autosomal dominant inheritance.
Comment: The c.752T>C variant in the hepatocyte nuclear factor 4-alpha gene, HNF4A, causes an amino acid change of valine to alanine at codon 251 (p.(Val251Ala)) of NM_175914.5. This variant is absent from gnomAD v4.1.0 (PM2_Supporting). This variant is predicted to be deleterious by computational evidence, with a REVEL score of 0.986, which is greater than the MDEP VCEP threshold of 0.70 (PP3). Another missense variant at the same residue, c.752T>G (p.Val251Gly), has been classified as a VUS by the ClinGen MDEP; therefore, PM5 will not be applied. In summary, c.752T>C meets the criteria to be classified as a variant of uncertain significance for monogenic diabetes. ACMG/AMP criteria applied, as specified by the ClinGen MDEP (specification version 4.0.0, approved 10/10/2025): PM2_Supporting, PP3, PP4.

Department of Clinical Genetics, Aarhus University Hospital
Classification: Uncertain significance for Maturity-onset diabetes of the young type 1. Review status: criteria provided, single submitter. Criteria: ACMG Guidelines, 2015. Collection method: clinical testing. Allele origin: germline. Affected: yes. Not counted in ClinVar's aggregate classification.
Comment: The variant is not seen in the gnomAD 4.1 database. Computational tools (REVEL) predicts the variant as pathogenic. To our knowledge the variant has not been reported in the literature in individuals with HNF4A-related disorder. According to the ACMG guidelines, this variant is interpreted as uncertain significance (PM2_supporting, PP3_moderate, PP4_supporting).

NM_175914.5(HNF4A):c.752T>C (p.Val251Ala)

Gene: HNF4A (hepatocyte nuclear factor 4 alpha; plus strand). Cytogenetic location: 20q13.12.
Variant type: single nucleotide variant.
Coding change: c.752T>C on transcript NM_175914.5 (MANE Select); coding-DNA position 752, T replaced by C.
Protein change: p.Val251Ala; replaces valine 251 with alanine.
Molecular consequence: missense variant.
Genome position (GRCh38, 1-based): chr20:44,419,802, T>C. VCF-style: chr20-44419802-T-C. GRCh37 (hg19) VCF-style: chr20-43048442-T-C.
Other names: NM_175914.5:c.752T>C; c.818T>C, p.Val273Ala (NM_000457.6, NM_178849.3, NM_178850.3); c.752T>C, p.Val251Ala (NM_001030003.3, NM_001030004.3); c.797T>C, p.Val266Ala (NM_001258355.2); c.743T>C, p.Val248Ala (NM_001287182.2, NM_001287183.2, NM_001287184.2); short protein forms V248A, V251A, V266A, V273A.
Identifiers: ClinVar variation 4856806 (VCV004856806.2).